The following is an entry in ClinVar:

NM_004100.5(EYA4):c.979G>A (p.Asp327Asn)

Gene: EYA4 (EYA transcriptional coactivator and phosphatase 4; plus strand). Cytogenetic location: 6q23.2.
Variant type: single nucleotide variant.
Coding change: c.979G>A on transcript NM_004100.5 (MANE Select); coding-DNA position 979, G replaced by A.
Protein change: p.Asp327Asn; replaces aspartic acid 327 with asparagine.
Molecular consequence: missense variant.
Genome position (GRCh38, 1-based): chr6:133,481,471, G>A. VCF-style: chr6-133481471-G-A. GRCh37 (hg19) VCF-style: chr6-133802609-G-A.
Other names: c.817G>A, p.Asp273Asn (NM_001301012.2); c.997G>A, p.Asp333Asn (NM_001301013.2); c.910G>A, p.Asp304Asn (NM_001370458.1, NM_172103.4); c.835G>A, p.Asp279Asn (NM_001370459.1); c.979G>A, p.Asp327Asn (NM_172105.4); short protein forms D327N, D279N, D333N, D304N, D273N.
Identifiers: ClinVar variation 191664 (VCV000191664.47), dbSNP rs144415484, ClinGen allele CA237192.
Genomic context (GRCh38, chr6:133,481,471, plus strand): 5'-ACTTGATCTAAAAATGAAGTGCTATTCTTGACCTAAGTCATGTTATCTATAGGAGAGTTC[G>A]ATACCATGCAGAGTCCCTCCACACCCATCAAAGATCTTGATGAGAGAACCTGTAGGAGTT-3'
Protein context (NP_004091.3, residues 317-337): PGLTNQPGEF[Asp327Asn]TMQSPSTPIK

ClinVar aggregate classification (germline): Conflicting classifications of pathogenicity. Review status: criteria provided, conflicting classifications (1 of 4 stars). 9 submissions from 9 submitters: Uncertain significance (1); Likely benign (7). 1 of the submissions does not count toward it. Last evaluated 2025-12-15.

Conditions:
Cardiovascular phenotype. Identifiers: MedGen CN230736.
EYA4-related disorder. Also called: EYA4-related disorders; EYA4-related condition. Identifiers: MedGen CN239388.
Dilated cardiomyopathy 1J (CMD1J). Also called: CARDIOMYOPATHY, DILATED, WITH SENSORINEURAL HEARING LOSS, AUTOSOMAL DOMINANT. Identifiers: Orphanet 217622, MedGen C1854368, MONDO:0011541, OMIM 605362.

Allele frequency attached by ClinVar (database versions not stated): TOPMed 0.00006; ESP Exome Variant Server 0.00015; ExAC 0.00034; gnomAD 0.00037 and 0.00038; gnomAD exomes 0.00050.
gnomAD v4.1: 384 of 1,613,758 alleles (0.024%); highest among the groups gnomAD compares: Admixed American, 0.023%; no homozygotes.

Submissions (9):

Labcorp Genetics (formerly Invitae), Labcorp
Classification: Likely benign for Dilated cardiomyopathy 1J. Last evaluated: 2025-12-15. Review status: criteria provided, single submitter. Criteria: Invitae Variant Classification Sherloc (09022015). Collection method: clinical testing. Allele origin: germline.

Women's Health and Genetics/Laboratory Corporation of America, LabCorp
Classification: Likely benign. Last evaluated: 2025-07-24. Review status: criteria provided, single submitter. Criteria: LabCorp Variant Classification Summary - May 2015. Collection method: clinical testing. Allele origin: germline.
Comment: Variant summary: EYA4 c.979G>A (p.Asp327Asn) results in a conservative amino acid change in the encoded protein sequence. Algorithms developed to predict the effect of missense changes on protein structure and function are either unavailable or do not agree on the potential impact of this missense change. The variant allele was found at a frequency of 0.0005 in 250092 control chromosomes. The observed variant frequency is approximately 31.73 fold of the estimated maximal expected allele frequency for a pathogenic variant in EYA4 causing Dilated Cardiomyopathy phenotype (1.6e-05). c.979G>A has been observed in individual(s) affected with Hypertrophic Cardiomyopathy and Dilated Cardiomyopathy (Kostareva_2016, Akinrinade_2015). These report(s) do not provide unequivocal conclusions about association of the variant with Dilated Cardiomyopathy. To our knowledge, no experimental evidence demonstrating an impact on protein function has been reported. The following publications have been ascertained in the context of this evaluation (PMID: 26084686, 27662471). ClinVar contains an entry for this variant (Variation ID: 191664). Based on the evidence outlined above, the variant was classified as likely benign.

CeGaT Center for Human Genetics Tuebingen
Classification: Likely benign. Last evaluated: 2025-03-01. Review status: criteria provided, single submitter. Criteria: CeGaT Center For Human Genetics Tuebingen Variant Classification Criteria Version 2. Collection method: clinical testing. Allele origin: germline. Affected: yes. Observed: 2 variant alleles.
Comment: EYA4: BS1

Blueprint Genetics
Classification: Likely benign. Last evaluated: 2024-10-28. Review status: criteria provided, single submitter. Criteria: ACMG Guidelines, 2015. Collection method: clinical testing. Allele origin: germline.

GeneDx
Classification: Likely benign. Last evaluated: 2020-10-08. Review status: criteria provided, single submitter. Criteria: GeneDx Variant Classification Process June 2021. Collection method: clinical testing. Allele origin: germline. Affected: yes.
Comment: This variant is associated with the following publications: (PMID: 28831623)

Ambry Genetics
Classification: Likely benign for Cardiovascular phenotype. Last evaluated: 2018-11-15. Review status: criteria provided, single submitter. Criteria: Ambry Variant Classification Scheme 2023. Collection method: clinical testing. Allele origin: germline.

Laboratory for Molecular Medicine, Mass General Brigham Personalized Medicine
Classification: Likely benign. Last evaluated: 2015-11-24. Review status: criteria provided, single submitter. Criteria: LMM Criteria. Collection method: clinical testing. Allele origin: germline. Observed: 1 variant allele.
Comment: p.Asp327Asn in exon 12 of EYA4: This variant is not expected to have clinical si gnificance because it has been identified in 0.33% (22/6610) of Finnish chromoso mes by the Exome Aggregation Consortium (ExAC; d bSNP rs144415484).

Biesecker Lab/Clinical Genomics Section, National Institutes of Health
Classification: Uncertain significance. Last evaluated: 2013-06-24. Review status: criteria provided, single submitter. Criteria: Ng et al. (Circ Cardiovasc Genet. 2013). Collection method: research. Allele origin: unknown. Observed: 1 variant allele. Study: ClinSeq.
Comment: The study set was not selected for affection status in relation to any cancer. Pathogenicity categories were based on literature curation. See Pubmed ID:23861362 for details.

Medical sequencing

PreventionGenetics, part of Exact Sciences
Classification: Benign for EYA4-related condition. Last evaluated: 2020-03-03. Review status: no assertion criteria provided. Collection method: clinical testing. Allele origin: germline. Not counted in ClinVar's aggregate classification.
Comment: This variant is classified as benign based on ACMG/AMP sequence variant interpretation guidelines (Richards et al. 2015 PMID: 25741868, with internal and published modifications).

Literature cited by the submitters: PubMed 26084686 (cited by Women's Health and Genetics/Laboratory Corporation of America, LabCorp and Laboratory for Molecular Medicine, Mass General Brigham Personalized Medicine); PubMed 27662471 (cited by Women's Health and Genetics/Laboratory Corporation of America, LabCorp); PubMed 23861362 (cited by Ambry Genetics and Laboratory for Molecular Medicine, Mass General Brigham Personalized Medicine); PubMed 28831623 (cited by Ambry Genetics).